The following is an entry in ClinVar:

NM_018344.6(SLC29A3):c.971C>T (p.Pro324Leu)

Gene: SLC29A3 (solute carrier family 29 member 3; plus strand). Cytogenetic location: 10q22.1.
Variant type: single nucleotide variant.
Coding change: c.971C>T on transcript NM_018344.6 (MANE Select); coding-DNA position 971, C replaced by T.
Protein change: p.Pro324Leu; replaces proline 324 with leucine.
Molecular consequence: missense variant. On other transcripts: 3 prime UTR variant (1), non-coding transcript variant (2).
Genome position (GRCh38, 1-based): chr10:71,362,151, C>T. VCF-style: chr10-71362151-C-T. GRCh37 (hg19) VCF-style: chr10-73121908-C-T.
Other names: c.*200C>T (NM_001174098.2); c.737C>T, p.Pro246Leu (NM_001363518.2); short protein forms P246L, P324L.
Identifiers: ClinVar variation 963811 (VCV000963811.12), dbSNP rs758201217, ClinGen allele CA5543095.

ClinVar aggregate classification (germline): Pathogenic/Likely pathogenic. Review status: criteria provided, multiple submitters, no conflicts (2 of 4 stars). 4 submissions from 4 submitters: Pathogenic (1); Likely pathogenic (3). Last evaluated 2025-09-21.

Conditions:
H syndrome. Also called: Histiocytosis with joint contractures and sensorineural deafness; FAISALABAD HISTIOCYTOSIS; Pigmented hypertrichosis and insulin-dependent diabetes mellitus; HISTIOCYTOSIS AND LYMPHADENOPATHY WITH OR WITHOUT CUTANEOUS, CARDIAC, AND/OR ENDOCRINE FEATURES, JOINT CONTRACTURES, AND/OR DEAFNESS; HYPERPIGMENTATION, CUTANEOUS, WITH HYPERTRICHOSIS, HEPATOSPLENOMEGALY, HEART ANOMALIES, AND HYPOGONADISM WITH OR WITHOUT HEARING LOSS; PIGMENTED HYPERTRICHOSIS WITH INSULIN-DEPENDENT DIABETES MELLITUS. Identifiers: Orphanet 168569, MedGen C1864445, MONDO:0011273, OMIM 602782.
SLC29A3-related disorder. Also called: SLC29A3-related condition.

Allele frequency attached by ClinVar (database versions not stated): gnomAD exomes 0.00001 and 0.00003; TOPMed 0.00001; ExAC 0.00003.

Submissions (4):

Labcorp Genetics (formerly Invitae), Labcorp
Classification: Pathogenic for H syndrome. Last evaluated: 2025-09-21. Review status: criteria provided, single submitter. Criteria: Invitae Variant Classification Sherloc (09022015). Collection method: clinical testing. Allele origin: germline.
Comment: This sequence change replaces proline, which is neutral and non-polar, with leucine, which is neutral and non-polar, at codon 324 of the SLC29A3 protein (p.Pro324Leu). This variant is present in population databases (rs758201217, gnomAD 0.05%). This missense change has been observed in individual(s) with SLC29A3-related conditions (PMID: 24172204, 29808591; internal data). In at least one individual the data is consistent with being in trans (on the opposite chromosome) from a pathogenic variant. ClinVar contains an entry for this variant (Variation ID: 963811). Invitae Evidence Modeling of protein sequence and biophysical properties (such as structural, functional, and spatial information, amino acid conservation, physicochemical variation, residue mobility, and thermodynamic stability) indicates that this missense variant is expected to disrupt SLC29A3 protein function with a positive predictive value of 95%. For these reasons, this variant has been classified as Pathogenic.

Fulgent Genetics
Classification: Likely pathogenic for H syndrome. Last evaluated: 2022-03-27. Review status: criteria provided, single submitter. Criteria: ACMG Guidelines, 2015. Collection method: clinical testing. Allele origin: unknown.

Blueprint Genetics
Classification: Likely pathogenic for SLC29A3-related disorders. Last evaluated: 2019-09-09. Review status: criteria provided, single submitter. Criteria: ACMG Guidelines, 2015. Collection method: clinical testing. Allele origin: germline. Affected: yes. Observed: 2 variant alleles.

Juno Genomics, Hangzhou Juno Genomics, Inc
Classification: Likely pathogenic for H syndrome. Review status: criteria provided, single submitter. Criteria: ACMG Guidelines, 2015. Collection method: clinical testing. Allele origin: germline. Affected: yes.
Comment: Absent from controls (or at extremely low frequency if recessive) in Genome Aggregation Database.;Multiple lines of computational evidence support a deleterious effect on the gene or gene product.;For recessive disorders, detected in trans with a pathogenic variant.;Patient's phenotype or family history is highly specific for a disease with a single genetic etiology.

Literature cited by the submitters: PubMed 24172204 (cited by Labcorp Genetics (formerly Invitae), Labcorp); PubMed 29808591 (cited by Labcorp Genetics (formerly Invitae), Labcorp).